The following is an entry in ClinVar:

NM_007294.4(BRCA1):c.5525T>C (p.Val1842Ala)

Gene: BRCA1 (BRCA1 DNA repair associated; minus strand). Cytogenetic location: 17q21.31.
Variant type: single nucleotide variant.
Coding change: c.5525T>C on transcript NM_007294.4 (MANE Select); coding-DNA position 5525, T replaced by C.
Protein change: p.Val1842Ala; replaces valine 1842 with alanine.
Molecular consequence: missense variant. On other transcripts: 3 prime UTR variant (1), non-coding transcript variant (1).
Genome position (GRCh38, 1-based): chr17:43,045,745, A>G on the plus strand (T>C on the coding strand, the complement: BRCA1 is on the minus strand). VCF-style: chr17-43045745-A-G. GRCh37 (hg19) VCF-style: chr17-41197762-A-G.
Other names: c.5399T>C, p.Val1800Ala (NM_001407673.1, NM_001407674.1, NM_001407675.1 and 8 more transcripts); c.5396T>C, p.Val1799Ala (NM_001407681.1, NM_001407682.1, NM_001407683.1 and 6 more transcripts); c.5522T>C, p.Val1841Ala (NM_001407613.1, NM_001407614.1, NM_001407615.1 and 14 more transcripts); c.5519T>C, p.Val1840Ala (NM_001407632.1, NM_001407633.1, NM_001407634.1 and 13 more transcripts); c.5447T>C, p.Val1816Ala (NM_001407654.1, NM_001407655.1, NM_001407652.1 and 1 more transcripts); c.5444T>C, p.Val1815Ala (NM_001407656.1, NM_001407657.1, NM_001407658.1); c.5441T>C, p.Val1814Ala (NM_001407659.1, NM_001407660.1, NM_001407661.1 and 2 more transcripts); c.5312T>C, p.Val1771Ala (NM_001407571.1, NM_001407894.1, NM_001407895.1 and 12 more transcripts); and 74 more; short protein forms V1795A, V1863A, V1842A, V738A, V1688A, V1715A, V1730A, V1754A.
Identifiers: ClinVar variation 864970 (VCV000864970.5), dbSNP rs1555574400, ClinGen allele CA10590267.

ClinVar aggregate classification (germline): Uncertain significance (1 of 4 stars; one submission).

Conditions:
Hereditary cancer-predisposing syndrome. Also called: Tumor predisposition; Hereditary Cancer Syndrome; Hereditary neoplastic syndrome; Neoplastic Syndromes, Hereditary. Identifiers: Orphanet 140162, MedGen C0027672, MeSH D009386, MONDO:0015356.

Submissions (2):

Color Diagnostics, LLC DBA Color Health
Classification: Uncertain significance for Hereditary cancer-predisposing syndrome. Last evaluated: 2019-04-17. Review status: criteria provided, single submitter. Criteria: ACMG Guidelines, 2015. Collection method: clinical testing. Allele origin: germline.

Brotman Baty Institute, University of Washington
No classification provided (evidence only). Condition: Breast-ovarian cancer, familial 1. Review status: no classification provided. Collection method: in vitro. Allele origin: not applicable. Functional consequence: functionally_abnormal. Not counted in ClinVar's aggregate classification.
ClinVar note: "not provided" was previously submitted as the classification for the variant. However, the classification appeared to be based only on an observation of functional data so it was converted to no classification on 2025-07-30.